The following is an entry in ClinVar:

NM_002227.4(JAK1):c.2426G>A (p.Arg809Gln)

Gene: JAK1 (Janus kinase 1; minus strand). Cytogenetic location: 1p31.3.
Variant type: single nucleotide variant.
Coding change: c.2426G>A on transcript NM_002227.4 (MANE Select); coding-DNA position 2426, G replaced by A.
Protein change: p.Arg809Gln; replaces arginine 809 with glutamine.
Molecular consequence: missense variant.
Genome position (GRCh38, 1-based): chr1:64,841,579, C>T on the plus strand (G>A on the coding strand, the complement: JAK1 is on the minus strand). VCF-style: chr1-64841579-C-T. GRCh37 (hg19) VCF-style: chr1-65307262-C-T.
Other names: c.2426G>A (NM_002227.2); c.2426G>A, p.Arg809Gln (NM_001320923.2, NM_001321852.2, NM_001321853.2 and 3 more transcripts); c.2423G>A, p.Arg808Gln (NM_001321857.2); short protein forms R808Q, R809Q.
Identifiers: ClinVar variation 1922420 (VCV001922420.6), dbSNP rs1293957402, ClinGen allele CA340666394.

ClinVar aggregate classification (germline): Uncertain significance. Review status: criteria provided, multiple submitters, no conflicts (2 of 4 stars). 2 submissions from 2 submitters: Uncertain significance (2). Last evaluated 2026-01-08.

Conditions:
Inborn genetic diseases. Identifiers: MedGen C0950123, MeSH D030342.

Allele frequency attached by ClinVar (database versions not stated): gnomAD 0.00001; TOPMed 0.00002.
gnomAD v4.1: 12 of 1,613,952 alleles (0.00074%); highest among the groups gnomAD compares: South Asian, 0.0011%; no homozygotes.

Submissions (2):

Labcorp Genetics (formerly Invitae), Labcorp
Classification: Uncertain significance. Last evaluated: 2026-01-08. Review status: criteria provided, single submitter. Criteria: Invitae Variant Classification Sherloc (09022015). Collection method: clinical testing. Allele origin: germline.
Comment: This sequence change replaces arginine, which is basic and polar, with glutamine, which is neutral and polar, at codon 809 of the JAK1 protein (p.Arg809Gln). This variant is present in population databases (no rsID available, gnomAD 0.003%). This variant has not been reported in the literature in individuals affected with JAK1-related conditions. ClinVar contains an entry for this variant (Variation ID: 1922420). Invitae Evidence Modeling of protein sequence and biophysical properties (such as structural, functional, and spatial information, amino acid conservation, physicochemical variation, residue mobility, and thermodynamic stability) indicates that this missense variant is not expected to disrupt JAK1 protein function with a negative predictive value of 80%. In summary, the available evidence is currently insufficient to determine the role of this variant in disease. Therefore, it has been classified as a Variant of Uncertain Significance.

Ambry Genetics
Classification: Uncertain significance for Inborn genetic diseases. Last evaluated: 2025-09-25. Review status: criteria provided, single submitter. Criteria: Ambry Variant Classification Scheme 2023. Collection method: clinical testing. Allele origin: germline.